The following is an entry in ClinVar:

NM_198525.3(KIF7):c.2406G>C (p.Glu802Asp)

Gene: KIF7 (kinesin family member 7; minus strand). Cytogenetic location: 15q26.1.
Variant type: single nucleotide variant.
Coding change: c.2406G>C on transcript NM_198525.3 (MANE Select); coding-DNA position 2406, G replaced by C.
Protein change: p.Glu802Asp; replaces glutamic acid 802 with aspartic acid.
Molecular consequence: missense variant.
Genome position (GRCh38, 1-based): chr15:89,633,872, C>G on the plus strand (G>C on the coding strand, the complement: KIF7 is on the minus strand). VCF-style: chr15-89633872-C-G. GRCh37 (hg19) VCF-style: chr15-90177103-C-G.
Other names: short protein forms E802D.
Identifiers: ClinVar variation 1463844 (VCV001463844.6), dbSNP rs771424250, ClinGen allele CA393760110.

ClinVar aggregate classification (germline): Uncertain significance (1 of 4 stars; one submission).

Conditions:
Acrocallosal syndrome (ACLS). Also called: HALLUX DUPLICATION, POSTAXIAL POLYDACTYLY, AND ABSENCE OF CORPUS CALLOSUM; Schinzel syndrome 1; Absence of corpus callosum with unusual facial appearance, mental deficiency, duplication of the halluces and polydactyly. Identifiers: Orphanet 36, MedGen C0796147, MONDO:0008708, OMIM 200990.

Submission:

Labcorp Genetics (formerly Invitae), Labcorp
Classification: Uncertain significance for Acrocallosal syndrome. Last evaluated: 2022-07-26. Review status: criteria provided, single submitter. Criteria: Invitae Variant Classification Sherloc (09022015). Collection method: clinical testing. Allele origin: germline.
Comment: Algorithms developed to predict the effect of missense changes on protein structure and function are either unavailable or do not agree on the potential impact of this missense change (SIFT: "Tolerated"; PolyPhen-2: "Possibly Damaging"; Align-GVGD: "Class C0"). ClinVar contains an entry for this variant (Variation ID: 1463844). This variant has not been reported in the literature in individuals affected with KIF7-related conditions. This variant is not present in population databases (gnomAD no frequency). This sequence change replaces glutamic acid, which is acidic and polar, with aspartic acid, which is acidic and polar, at codon 802 of the KIF7 protein (p.Glu802Asp). In summary, the available evidence is currently insufficient to determine the role of this variant in disease. Therefore, it has been classified as a Variant of Uncertain Significance.